The following is an entry in ClinVar:

NM_000553.6(WRN):c.2695A>T (p.Met899Leu)

Gene: WRN (WRN RecQ like helicase; plus strand). Cytogenetic location: 8p12.
Variant type: single nucleotide variant.
Coding change: c.2695A>T on transcript NM_000553.6 (MANE Select); coding-DNA position 2695, A replaced by T.
Protein change: p.Met899Leu; replaces methionine 899 with leucine.
Molecular consequence: missense variant.
Genome position (GRCh38, 1-based): chr8:31,124,586, A>T. VCF-style: chr8-31124586-A-T. GRCh37 (hg19) VCF-style: chr8-30982102-A-T.
Other names: short protein forms M899L.
Identifiers: ClinVar variation 1380028 (VCV001380028.6), dbSNP rs1225450393, ClinGen allele CA370916921.

ClinVar aggregate classification (germline): Uncertain significance (1 of 4 stars; one submission).

Conditions:
Werner syndrome (WRN). Identifiers: Orphanet 902, MedGen C0043119, MONDO:0010196, OMIM 277700.

gnomAD v4.1: 1 of 1,612,810 alleles (0.000062%); highest among the groups gnomAD compares: East Asian, 0.0022%; no homozygotes.

Submission:

Labcorp Genetics (formerly Invitae), Labcorp
Classification: Uncertain significance for Werner syndrome. Last evaluated: 2022-11-22. Review status: criteria provided, single submitter. Criteria: Invitae Variant Classification Sherloc (09022015). Collection method: clinical testing. Allele origin: germline.
Comment: This sequence change replaces methionine with leucine at codon 899 of the WRN protein (p.Met899Leu). The methionine residue is moderately conserved and there is a small physicochemical difference between methionine and leucine. In summary, the available evidence is currently insufficient to determine the role of this variant in disease. Therefore, it has been classified as a Variant of Uncertain Significance. Algorithms developed to predict the effect of missense changes on protein structure and function output the following: SIFT: "Not Available"; PolyPhen-2: "Benign"; Align-GVGD: "Not Available". The leucine amino acid residue is found in multiple mammalian species, which suggests that this missense change does not adversely affect protein function. ClinVar contains an entry for this variant (Variation ID: 1380028). This variant has not been reported in the literature in individuals affected with WRN-related conditions. This variant is not present in population databases (gnomAD no frequency).